The following is an entry in ClinVar:

ClinVar aggregate classification (germline): Uncertain significance (1 of 4 stars; one submission).

Submission:

Labcorp Genetics (formerly Invitae), Labcorp
Classification: Uncertain significance. Last evaluated: 2023-11-28. Review status: criteria provided, single submitter. Criteria: Invitae Variant Classification Sherloc (09022015). Collection method: clinical testing. Allele origin: germline.
Comment: This sequence change falls in intron 12 of the TFRC gene. It does not directly change the encoded amino acid sequence of the TFRC protein. It affects a nucleotide within the consensus splice site. This variant is not present in population databases (gnomAD no frequency). This variant has not been reported in the literature in individuals affected with TFRC-related conditions. Variants that disrupt the consensus splice site are a relatively common cause of aberrant splicing (PMID: 17576681, 9536098). Algorithms developed to predict the effect of sequence changes on RNA splicing suggest that this variant is not likely to affect RNA splicing. In summary, the available evidence is currently insufficient to determine the role of this variant in disease. Therefore, it has been classified as a Variant of Uncertain Significance.

Literature cited by the submitters: PubMed 17576681; PubMed 9536098.

NM_001128148.3(TFRC):c.1404+4T>C

Gene: TFRC (transferrin receptor; minus strand). Cytogenetic location: 3q29.
Variant type: single nucleotide variant.
Coding change: c.1404+4T>C on transcript NM_001128148.3 (MANE Select); 4 bases into the intron after coding-DNA position 1404, T replaced by C.
Molecular consequence: intron variant.
Genome position (GRCh38, 1-based): chr3:196,062,850, A>G on the plus strand (T>C on the coding strand, the complement: TFRC is on the minus strand). VCF-style: chr3-196062850-A-G. GRCh37 (hg19) VCF-style: chr3-195789721-A-G.
Other names: c.558+4T>C (NM_001313966.2); c.1161+4T>C (NM_001313965.2); c.1404+4T>C (NM_003234.4).
Identifiers: ClinVar variation 2699568 (VCV002699568.3), dbSNP rs2473958565, ClinGen allele CA2697557035.